The following is an entry in ClinVar:

NM_000116.5(TAFAZZIN):c.526C>T (p.His176Tyr)

Gene: TAFAZZIN (tafazzin, phospholipid-lysophospholipid transacylase; plus strand). Cytogenetic location: Xq28.
Variant type: single nucleotide variant.
Coding change: c.526C>T on transcript NM_000116.5 (MANE Select); coding-DNA position 526, C replaced by T.
Protein change: p.His176Tyr; replaces histidine 176 with tyrosine.
Molecular consequence: missense variant. On other transcripts: non-coding transcript variant (1).
Genome position (GRCh38, 1-based): chrX:154,419,608, C>T. VCF-style: chrX-154419608-C-T. GRCh37 (hg19) VCF-style: chrX-153647947-C-T.
Other names: p.H176Y:CAT>TAT; c.580C>T, p.His194Tyr (NM_001303465.2); c.436C>T, p.His146Tyr (NM_181311.4, NM_181313.4); c.526C>T, p.His176Tyr (NM_181312.4); short protein forms H176Y, H146Y, H194Y.
Identifiers: ClinVar variation 202100 (VCV000202100.1), dbSNP rs794729174, ClinGen allele CA308814.

ClinVar aggregate classification (germline): Pathogenic (1 of 4 stars; one submission).

Submission:

GeneDx
Classification: Pathogenic. Last evaluated: 2012-02-22. Review status: criteria provided, single submitter. Criteria: GeneDx Variant Classification (06012015). Collection method: clinical testing. Allele origin: germline. Affected: yes.
Comment: The His176Tyr mutation has not been reported previously as a disease-causing mutation or as a benign polymorphism to our knowledge. His176Tyr results in the non-conservative amino acid substitution of a positively charged Histidine to a neutral, polar Tyrosine at a residue that is conserved across species. In silico analysis predicts His176Tyr to be probably damaging to protein structure or function. Additionally, a mutation in a nearby codon (Phe178Ile) has been reported in association with Barth syndrome, further supporting the functional importance of this region of the protein. The NHLBI Exome Variant Server reports His176Tyr was not observed in approximately 5,000 samples from individuals of European and African American backgrounds, indicating it is not a common benign variant in these populations. The variant is found in DCM panel(s).